The following is an entry in ClinVar:

ClinVar aggregate classification (germline): Likely benign. Review status: criteria provided, multiple submitters, no conflicts (2 of 4 stars). 5 submissions from 5 submitters: Likely benign (5). Last evaluated 2025-05-21.

Conditions:
Cardiovascular phenotype. Identifiers: MedGen CN230736.
Long QT syndrome (LQTS). Identifiers: MedGen C0023976, MeSH D008133, MONDO:0002442. Disease mechanism: loss of function. Inheritance: Various modes of inheritance.
Cardiac arrhythmia. Also called: Cardiac rhythm disease; Arrhythmia. Identifiers: MedGen C0003811, MONDO:0007263, HP:0011675.

Allele frequency attached by ClinVar (database versions not stated): gnomAD exomes below 0.00001; gnomAD 0.00001; TOPMed 0.00001.
gnomAD v4.1: 4 of 1,568,266 alleles (0.00026%); highest among the groups gnomAD compares: South Asian, 0.0012%; no homozygotes.

Submissions (5):

Labcorp Genetics (formerly Invitae), Labcorp
Classification: Likely benign for Long QT syndrome. Last evaluated: 2025-05-21. Review status: criteria provided, single submitter. Criteria: Invitae Variant Classification Sherloc (09022015). Collection method: clinical testing. Allele origin: germline.

All of Us Research Program, National Institutes of Health
Classification: Likely benign for Long QT syndrome. Last evaluated: 2023-11-30. Review status: criteria provided, single submitter. Criteria: ACMG Guidelines, 2015. Collection method: clinical testing. Allele origin: germline. Inheritance: Autosomal dominant inheritance. Observed: 3 variant alleles, 3 heterozygotes.
Comment: This study involves interpretation of variants in research participants for the purpose of population health screening. Participant phenotype was not available at the time of variant classification. Additional details can be found in publication PMID: 35346344, PMCID: PMC8962531

Color Diagnostics, LLC DBA Color Health
Classification: Likely benign for Cardiac arrhythmia. Last evaluated: 2021-09-07. Review status: criteria provided, single submitter. Criteria: ACMG Guidelines, 2015. Collection method: clinical testing. Allele origin: germline.

Ambry Genetics
Classification: Likely benign for Cardiovascular phenotype. Last evaluated: 2020-11-09. Review status: criteria provided, single submitter. Criteria: Ambry Variant Classification Scheme 2023. Collection method: clinical testing. Allele origin: germline.

ARUP Laboratories, Molecular Genetics and Genomics, ARUP Laboratories
Classification: Likely benign. Last evaluated: 2018-05-15. Review status: criteria provided, single submitter. Criteria: ARUP Molecular Germline Variant Investigation Process. Collection method: clinical testing. Allele origin: germline.
Comment: The c.1851C>T; p.Leu617Leu variant (rs962199389) does not alter the amino acid sequence of the KCNQ1 protein and computational splice site prediction algorithms do not predict a change in the nearest splice site or creation of a cryptic splice site. This variant has not been reported in association with cardiac disease in medical literature or in gene specific variation databases. This variant is listed in the genome Aggregation Database (gnomAD) with an overall population frequency of 0.003% (identified on 1 out of 30,900 chromosomes). Based on the available information, the c.1851C>T variant is likely to be benign.

NM_000218.3(KCNQ1):c.1851C>T (p.Leu617=)

Genes: KCNQ1 (potassium voltage-gated channel subfamily Q member 1; plus strand), KCNQ1-AS1 (KCNQ1 antisense RNA 1; minus strand). Cytogenetic location: 11p15.4.
Variant type: single nucleotide variant.
Coding change: c.1851C>T on transcript NM_000218.3 (MANE Select); coding-DNA position 1851, C replaced by T.
Protein change: p.Leu617=; no amino-acid change (leucine 617 retained).
Molecular consequence: synonymous variant.
Genome position (GRCh38, 1-based): chr11:2,847,823, C>T. VCF-style: chr11-2847823-C-T. GRCh37 (hg19) VCF-style: chr11-2869053-C-T.
Other names: c.1755C>T, p.Leu585= (NM_001406836.1); c.1581C>T, p.Leu527= (NM_001406837.1); c.1311C>T, p.Leu437= (NM_001406838.1); c.363C>T, p.Leu121= (NM_001406839.1); c.1470C>T, p.Leu490= (NM_181798.2).
Identifiers: ClinVar variation 618185 (VCV000618185.21), dbSNP rs962199389, ClinGen allele CA216345078.